The following is an entry in ClinVar:

NM_015650.4(TRAF3IP1):c.355-17T>G

Gene: TRAF3IP1 (TRAF3 interacting protein 1; plus strand). Cytogenetic location: 2q37.3.
Variant type: single nucleotide variant.
Coding change: c.355-17T>G on transcript NM_015650.4 (MANE Select); 17 bases into the intron before coding-DNA position 355, T replaced by G.
Molecular consequence: intron variant.
Genome position (GRCh38, 1-based): chr2:238,328,669, T>G. VCF-style: chr2-238328669-T-G. GRCh37 (hg19) VCF-style: chr2-239237310-T-G.
Other names: c.355-17T>G (NM_001139490.1).
Identifiers: ClinVar variation 2023828 (VCV002023828.4), dbSNP rs2469612636, ClinGen allele CA2580068039.
Genomic context (GRCh38, chr2:238,328,669, plus strand): 5'-AATGGCGATGTTCTATTTGTTACGTGTGCGGATCTCATTTCACCTAACACCTCATTTCCT[T>G]CCATTTGGACGACAAGCTCTCTAGTGACGATGCGGTGCGGAGGGTTTTAGCTGGAGAGAA-3'

ClinVar aggregate classification (germline): Uncertain significance (1 of 4 stars; one submission).

Submission:

Labcorp Genetics (formerly Invitae), Labcorp
Classification: Uncertain significance. Last evaluated: 2022-08-12. Review status: criteria provided, single submitter. Criteria: Invitae Variant Classification Sherloc (09022015). Collection method: clinical testing. Allele origin: germline.
Comment: In summary, the available evidence is currently insufficient to determine the role of this variant in disease. Therefore, it has been classified as a Variant of Uncertain Significance. Algorithms developed to predict the effect of sequence changes on RNA splicing suggest that this variant may disrupt the consensus splice site. This variant has not been reported in the literature in individuals affected with TRAF3IP1-related conditions. This variant is not present in population databases (gnomAD no frequency). This sequence change falls in intron 3 of the TRAF3IP1 gene. It does not directly change the encoded amino acid sequence of the TRAF3IP1 protein.